The following is an entry in ClinVar:

ClinVar aggregate classification (germline): Likely pathogenic (1 of 4 stars; one submission).

Conditions:
Mucopolysaccharidosis, MPS-III-C (MPS3C). Also called: SANFILIPPO SYNDROME C; MPS III C; MPS IIIC (Sanfilippo Syndrome Type C); MUCOPOLYSACCHARIDOSIS, TYPE IIIC; Mucopolysaccharidosis type IIIC (Sanfilippo C); mucopolysaccharidosis type 3C. Identifiers: Orphanet 581, Orphanet 79271, MedGen C0086649, MONDO:0009657, OMIM 252930.
Retinitis pigmentosa 73 (RP73). Identifiers: Orphanet 791, MedGen C4225287, MONDO:0014687, OMIM 616544.

Submission:

Labcorp Genetics (formerly Invitae), Labcorp
Classification: Likely pathogenic for Retinitis pigmentosa 73; Mucopolysaccharidosis, MPS-III-C. Last evaluated: 2025-03-17. Review status: criteria provided, single submitter. Criteria: Invitae Variant Classification Sherloc (09022015). Collection method: clinical testing. Allele origin: germline.
Comment: This sequence change affects a donor splice site in intron 1 of the HGSNAT gene. It is expected to disrupt RNA splicing. Variants that disrupt the donor or acceptor splice site typically lead to a loss of protein function (PMID: 16199547), and loss-of-function variants in HGSNAT are known to be pathogenic (PMID: 17033958, 19479962, 25859010). This variant is not present in population databases (gnomAD no frequency). This variant has not been reported in the literature in individuals affected with HGSNAT-related conditions. ClinVar contains an entry for this variant (Variation ID: 1485684). Algorithms developed to predict the effect of sequence changes on RNA splicing suggest that this variant may disrupt the consensus splice site. In summary, the currently available evidence indicates that the variant is pathogenic, but additional data are needed to prove that conclusively. Therefore, this variant has been classified as Likely Pathogenic.

Literature cited by the submitters: PubMed 16199547; PubMed 17033958; PubMed 19479962; PubMed 25859010.

NM_152419.3(HGSNAT):c.118+2T>C

Genes: HGSNAT (heparan-alpha-glucosaminide N-acetyltransferase; plus strand), LOC130000316 (ATAC-STARR-seq lymphoblastoid silent region 19164; plus strand). Cytogenetic location: 8p11.21.
Variant type: single nucleotide variant.
Coding change: c.118+2T>C on transcript NM_152419.3 (MANE Select); the canonical splice donor site of the intron after coding-DNA position 118, T replaced by C.
Molecular consequence: splice donor variant.
Genome position (GRCh38, 1-based): chr8:43,140,616, T>C. VCF-style: chr8-43140616-T-C. GRCh37 (hg19) VCF-style: chr8-42995759-T-C.
Other names: c.118+2T>C (NM_001363227.2, NM_001363228.2); c.-716+2T>C (NM_001363229.2).
Identifiers: ClinVar variation 1485684 (VCV001485684.8), dbSNP rs2130648749, ClinGen allele CA371124720.